The following is an entry in ClinVar:

NM_000038.6(APC):c.511A>G (p.Ser171Gly)

Gene: APC (APC regulator of Wnt signaling pathway; plus strand). Cytogenetic location: 5q22.2.
Variant type: single nucleotide variant.
Coding change: c.511A>G on transcript NM_000038.6 (MANE Select); coding-DNA position 511, A replaced by G.
Protein change: p.Ser171Gly; replaces serine 171 with glycine.
Molecular consequence: missense variant. On other transcripts: 5 prime UTR variant (4), non-coding transcript variant (2).
Genome position (GRCh38, 1-based): chr5:112,775,717, A>G. VCF-style: chr5-112775717-A-G. GRCh37 (hg19) VCF-style: chr5-112111414-A-G.
Other names: c.511A>G, p.Ser171Gly (NM_001127510.3, NM_001354895.2, NM_001354896.2 and 16 more transcripts); c.541A>G, p.Ser181Gly (NM_001127511.3, NM_001354897.2, NM_001354902.2 and 1 more transcripts); c.436A>G, p.Ser146Gly (NM_001354898.2, NM_001354904.2, NM_001407451.1); c.334A>G, p.Ser112Gly (NM_001354900.2, NM_001354901.2, NM_001354905.2 and 1 more transcripts); c.-525A>G (NM_001354906.2, NM_001407470.1, NM_001407471.1 and 1 more transcripts); c.511A>G (NM_000038.5); short protein forms S181G, S146G, S112G, S171G.
Identifiers: ClinVar variation 3632515 (VCV003632515.3).

ClinVar aggregate classification (germline): Uncertain significance. Review status: criteria provided, multiple submitters, no conflicts (2 of 4 stars). 2 submissions from 2 submitters: Uncertain significance (2). Last evaluated 2025-06-24.

Conditions:
Hereditary cancer-predisposing syndrome. Also called: Neoplastic Syndromes, Hereditary; Tumor predisposition; Hereditary Cancer Syndrome; Hereditary neoplastic syndrome. Identifiers: Orphanet 140162, MedGen C0027672, MeSH D009386, MONDO:0015356.
Familial adenomatous polyposis 1 (FAP1). Also called: FAMILIAL ADENOMATOUS POLYPOSIS 1, ATTENUATED; POLYPOSIS, ADENOMATOUS INTESTINAL. Identifiers: MedGen C2713442, MONDO:0021056, OMIM 175100. Disease mechanism: loss of function.

gnomAD v4.1: 1 of 1,581,356 alleles (0.000063%); highest among the groups gnomAD compares: Non-Finnish European, 0.000086%; no homozygotes.

Submissions (2):

Ambry Genetics
Classification: Uncertain significance for Hereditary cancer-predisposing syndrome. Last evaluated: 2025-06-24. Review status: criteria provided, single submitter. Criteria: Ambry Variant Classification Scheme 2023. Collection method: clinical testing. Allele origin: germline.
Comment: The p.S171G variant (also known as c.511A>G), located in coding exon 4 of the APC gene, results from an A to G substitution at nucleotide position 511. The serine at codon 171 is replaced by glycine, an amino acid with similar properties. This amino acid position is highly conserved in available vertebrate species. In addition, in silico predictors for this gene do not accurately predict pathogenicity. Missense alterations in APC are not a common cause of disease (Spier I et al. Genet Med. 2024 Feb;26(2):100992). Based on the available evidence, the clinical significance of this variant remains unclear.

Labcorp Genetics (formerly Invitae), Labcorp
Classification: Uncertain significance for Familial adenomatous polyposis 1. Last evaluated: 2024-11-20. Review status: criteria provided, single submitter. Criteria: Invitae Variant Classification Sherloc (09022015). Collection method: clinical testing. Allele origin: germline.
Comment: This sequence change replaces serine, which is neutral and polar, with glycine, which is neutral and non-polar, at codon 171 of the APC protein (p.Ser171Gly). This variant is not present in population databases (gnomAD no frequency). This variant has not been reported in the literature in individuals affected with APC-related conditions. Invitae Evidence Modeling of protein sequence and biophysical properties (such as structural, functional, and spatial information, amino acid conservation, physicochemical variation, residue mobility, and thermodynamic stability) indicates that this missense variant is not expected to disrupt APC protein function with a negative predictive value of 95%. In summary, the available evidence is currently insufficient to determine the role of this variant in disease. Therefore, it has been classified as a Variant of Uncertain Significance.